The following is an entry in ClinVar:

ClinVar aggregate classification (germline): Uncertain significance (1 of 4 stars; one submission).

Conditions:
Glycine encephalopathy. Also called: Non-ketotic hyperglycinemia; Nonketotic hyperglycinemia. Identifiers: Orphanet 407, MedGen C0751748, MONDO:0011612, HP:0008288.

Allele frequency attached by ClinVar (database versions not stated): TOPMed 0.00002.

Submission:

Labcorp Genetics (formerly Invitae), Labcorp
Classification: Uncertain significance for Glycine encephalopathy. Last evaluated: 2022-07-06. Review status: criteria provided, single submitter. Criteria: Invitae Variant Classification Sherloc (09022015). Collection method: clinical testing. Allele origin: germline.
Comment: This sequence change replaces aspartic acid, which is acidic and polar, with tyrosine, which is neutral and polar, at codon 586 of the GLDC protein (p.Asp586Tyr). This variant is not present in population databases (gnomAD no frequency). This variant has not been reported in the literature in individuals affected with GLDC-related conditions. ClinVar contains an entry for this variant (Variation ID: 1350982). Advanced modeling of protein sequence and biophysical properties (such as structural, functional, and spatial information, amino acid conservation, physicochemical variation, residue mobility, and thermodynamic stability) performed at Invitae indicates that this missense variant is not expected to disrupt GLDC protein function. In summary, the available evidence is currently insufficient to determine the role of this variant in disease. Therefore, it has been classified as a Variant of Uncertain Significance.

NM_000170.3(GLDC):c.1756G>T (p.Asp586Tyr)

Gene: GLDC (glycine decarboxylase; minus strand). Cytogenetic location: 9p24.1.
Variant type: single nucleotide variant.
Coding change: c.1756G>T on transcript NM_000170.3 (MANE Select); coding-DNA position 1756, G replaced by T.
Protein change: p.Asp586Tyr; replaces aspartic acid 586 with tyrosine.
Molecular consequence: missense variant.
Genome position (GRCh38, 1-based): chr9:6,587,235, C>A on the plus strand (G>T on the coding strand, the complement: GLDC is on the minus strand). VCF-style: chr9-6587235-C-A. GRCh37 (hg19) VCF-style: chr9-6587235-C-A.
Other names: short protein forms D586Y.
Identifiers: ClinVar variation 1350982 (VCV001350982.5), dbSNP rs1042809307, ClinGen allele CA188662389.
Genomic context (GRCh38, chr9:6,587,235, plus strand): 5'-TGAGTTCACACAAATCCTTCTCAAGCTCTCGGAAAAGCTGCTGATATCCTTGAGCTTGAT[C>A]CAGAGGCACAAAGGGGTGGATGTTTGCAAATTCTTTCCATGTGATAGGCTGAAAAGAAAG-3'
Protein context (NP_000161.2, residues 576-596): FANIHPFVPL[Asp586Tyr]QAQGYQQLFR